The following is an entry in ClinVar:

NM_033022.4(RPS24):c.220A>G (p.Met74Val)

Gene: RPS24 (ribosomal protein S24; plus strand). Cytogenetic location: 10q22.3.
Variant type: single nucleotide variant.
Coding change: c.220A>G on transcript NM_033022.4 (MANE Select); coding-DNA position 220, A replaced by G.
Protein change: p.Met74Val; replaces methionine 74 with valine.
Molecular consequence: missense variant.
Genome position (GRCh38, 1-based): chr10:78,035,661, A>G. VCF-style: chr10-78035661-A-G. GRCh37 (hg19) VCF-style: chr10-79795419-A-G.
Other names: c.220A>G, p.Met74Val (NM_001026.5, NM_001142282.2, NM_001142283.2 and 2 more transcripts); short protein forms M74V.
Identifiers: ClinVar variation 3598115 (VCV003598115.2).

ClinVar aggregate classification (germline): Uncertain significance. Review status: criteria provided, multiple submitters, no conflicts (2 of 4 stars). 2 submissions from 2 submitters: Uncertain significance (2). Last evaluated 2025-03-13.

Conditions:
Diamond-Blackfan anemia 3 (DBA3). Also called: RPS24-Related Diamond-Blackfan Anemia. Identifiers: Orphanet 124, MedGen C1857719, MONDO:0012529, OMIM 610629.
Diamond-Blackfan anemia. Also called: Blackfan Diamond syndrome; Aregenerative anemia chronic congenital; Red cell aplasia, pure hereditary; Congenital hypoplastic anemia; Aase syndrome. Identifiers: Orphanet 124, MedGen C1260899, MeSH D029503, MONDO:0015253, HP:0004810.

gnomAD v4.1: 10 of 1,606,394 alleles (0.00062%); highest among the groups gnomAD compares: South Asian, 0.0011%; no homozygotes.

Submissions (2):

Labcorp Genetics (formerly Invitae), Labcorp
Classification: Uncertain significance for Diamond-Blackfan anemia. Last evaluated: 2025-03-13. Review status: criteria provided, single submitter. Criteria: Invitae Variant Classification Sherloc (09022015). Collection method: clinical testing. Allele origin: germline.
Comment: This sequence change replaces methionine, which is neutral and non-polar, with valine, which is neutral and non-polar, at codon 74 of the RPS24 protein (p.Met74Val). The frequency data for this variant in the population databases is considered unreliable, as metrics indicate poor data quality at this position in the gnomAD database. This variant has not been reported in the literature in individuals affected with RPS24-related conditions. ClinVar contains an entry for this variant (Variation ID: 3598115). An algorithm developed to predict the effect of missense changes on protein structure and function (PolyPhen-2) suggests that this variant is likely to be tolerated. In summary, the available evidence is currently insufficient to determine the role of this variant in disease. Therefore, it has been classified as a Variant of Uncertain Significance.

Fulgent Genetics
Classification: Uncertain significance for Diamond-Blackfan anemia 3. Last evaluated: 2024-02-14. Review status: criteria provided, single submitter. Criteria: ACMG Guidelines, 2015. Collection method: clinical testing. Allele origin: germline.